The following is an entry in ClinVar:

NM_004316.4(ASCL1):c.133G>A (p.Ala45Thr)

Genes: ASCL1 (achaete-scute family bHLH transcription factor 1; plus strand), PAH (phenylalanine hydroxylase; minus strand). Cytogenetic location: 12q23.2.
Variant type: single nucleotide variant.
Coding change: c.133G>A on transcript NM_004316.4 (MANE Select); coding-DNA position 133, G replaced by A.
Protein change: p.Ala45Thr; replaces alanine 45 with threonine.
Molecular consequence: missense variant. On other transcripts: 5 prime UTR variant (1).
Genome position (GRCh38, 1-based): chr12:102,958,377, G>A. VCF-style: chr12-102958377-G-A. GRCh37 (hg19) VCF-style: chr12-103352155-G-A.
Other names: c.-278C>T (NM_001354304.2); short protein forms A45T.
Identifiers: ClinVar variation 4998675 (VCV004998675.1).
Genomic context (GRCh38, chr12:102,958,377, plus strand): 5'-CTGCCGCCCGCAGCCTGTTTCTTTGCCACGGCCGCAGCCGCGGCGGCCGCAGCCGCCGCA[G>A]CGGCAGCGCAGAGCGCGCAGCAGCAGCAGCAGCAGCAGCAGCAGCAGCAGCAGGCGCCGC-3'
Protein context (NP_004307.2, residues 35-55): AAAAAAAAAA[Ala45Thr]AAQSAQQQQQ

ClinVar aggregate classification (germline): Uncertain significance (1 of 4 stars; one submission).

Conditions:
ASCL1-related disorder. Also called: ASCL1-related condition.

Submission:

PreventionGenetics, part of Exact Sciences
Classification: Uncertain significance for ASCL1-related condition. Last evaluated: 2024-10-31. Review status: criteria provided, single submitter. Criteria: ACMG Guidelines, 2015. Collection method: clinical testing. Allele origin: germline.
Comment: The ASCL1 c.133G>A variant is predicted to result in the amino acid substitution p.Ala45Thr. To our knowledge, this variant has not been reported in the literature. This variant is reported in 0.012% of alleles in individuals of African descent in gnomAD. At this time, the clinical significance of this variant is uncertain due to the absence of conclusive functional and genetic evidence.